The following is an entry in ClinVar:

ClinVar aggregate classification (germline): Uncertain significance. Review status: criteria provided, multiple submitters, no conflicts (2 of 4 stars). 2 submissions from 2 submitters: Uncertain significance (2). Last evaluated 2024-02-24.

Conditions:
Neuromuscular disease caused by qualitative or quantitative defects of dysferlin. Also called: Qualitative or quantitative defects of dysferlin; Dysferlinopathy. Identifiers: Orphanet 207073, MedGen C2931687, MONDO:0016145.

Allele frequency attached by ClinVar (database versions not stated): gnomAD 0.00001; TOPMed 0.00001.
gnomAD v4.1: 2 of 1,614,078 alleles (0.00012%); highest among the groups gnomAD compares: African/African-American, 0.0013%; no homozygotes.

Submissions (2):

Labcorp Genetics (formerly Invitae), Labcorp
Classification: Uncertain significance for Neuromuscular disease caused by qualitative or quantitative defects of dysferlin. Last evaluated: 2024-02-24. Review status: criteria provided, single submitter. Criteria: Invitae Variant Classification Sherloc (09022015). Collection method: clinical testing. Allele origin: germline.
Comment: This sequence change replaces leucine, which is neutral and non-polar, with proline, which is neutral and non-polar, at codon 212 of the DYSF protein (p.Leu212Pro). This variant is not present in population databases (gnomAD no frequency). This variant has not been reported in the literature in individuals affected with DYSF-related conditions. ClinVar contains an entry for this variant (Variation ID: 595993). Advanced modeling of protein sequence and biophysical properties (such as structural, functional, and spatial information, amino acid conservation, physicochemical variation, residue mobility, and thermodynamic stability) performed at Invitae indicates that this missense variant is not expected to disrupt DYSF protein function with a negative predictive value of 95%. In summary, the available evidence is currently insufficient to determine the role of this variant in disease. Therefore, it has been classified as a Variant of Uncertain Significance.

Eurofins Ntd Llc (ga)
Classification: Uncertain significance. Last evaluated: 2018-02-09. Review status: criteria provided, single submitter. Criteria: EGL ClinVar v180209 classification definitions. Collection method: clinical testing. Allele origin: germline. Observed: 1 variant allele, 1 heterozygote.

NM_001130987.2(DYSF):c.731T>C (p.Leu244Pro)

Gene: DYSF (dysferlin; plus strand). Cytogenetic location: 2p13.2.
Variant type: single nucleotide variant.
Coding change: c.731T>C on transcript NM_001130987.2 (MANE Select); coding-DNA position 731, T replaced by C.
Protein change: p.Leu244Pro; replaces leucine 244 with proline.
Molecular consequence: missense variant.
Genome position (GRCh38, 1-based): chr2:71,513,893, T>C. VCF-style: chr2-71513893-T-C. GRCh37 (hg19) VCF-style: chr2-71741023-T-C.
Other names: c.638T>C, p.Leu213Pro (NM_001130455.2, NM_001130983.2, NM_001130984.2 and 1 more transcripts); c.635T>C, p.Leu212Pro (NM_001130976.2, NM_001130977.2, NM_001130978.2 and 1 more transcripts); c.728T>C, p.Leu243Pro (NM_001130979.2, NM_001130980.2, NM_001130981.2); c.731T>C, p.Leu244Pro (NM_001130982.2, NM_001130985.2); short protein forms L212P, L244P, L213P, L243P.
Identifiers: ClinVar variation 595993 (VCV000595993.7), dbSNP rs1559048753, ClinGen allele CA347207560.
Genomic context (GRCh38, chr2:71,513,893, plus strand): 5'-GTCCTCCGCCCCACTACCCCGGGATCAAAAGAAAGCGAAGTGCGCCTACATCTAGAAAGC[T>C]GCTGTCAGACAAACCGCAGGATTTCCAGGTGATGAACGGGCTTTCTCTGACCCCAGGCTC-3'
Protein context (NP_001124459.1, residues 234-254): RKRSAPTSRK[Leu244Pro]LSDKPQDFQI